The following is an entry in ClinVar:

NM_000057.4(BLM):c.4187T>G (p.Leu1396Trp)

Gene: BLM (BLM RecQ like helicase; plus strand). Cytogenetic location: 15q26.1.
Variant type: single nucleotide variant.
Coding change: c.4187T>G on transcript NM_000057.4 (MANE Select); coding-DNA position 4187, T replaced by G.
Protein change: p.Leu1396Trp; replaces leucine 1396 with tryptophan.
Molecular consequence: missense variant.
Genome position (GRCh38, 1-based): chr15:90,815,212, T>G. VCF-style: chr15-90815212-T-G. GRCh37 (hg19) VCF-style: chr15-91358442-T-G.
Other names: c.4187T>G, p.Leu1396Trp (NM_001287246.2); c.3794T>G, p.Leu1265Trp (NM_001287247.2); c.3062T>G, p.Leu1021Trp (NM_001287248.2); short protein forms L1021W, L1265W, L1396W.
Identifiers: ClinVar variation 1738539 (VCV001738539.2), dbSNP rs2505575643, ClinGen allele CA393852556.

ClinVar aggregate classification (germline): Uncertain significance (1 of 4 stars; one submission).

Conditions:
Hereditary cancer-predisposing syndrome. Also called: Hereditary Cancer Syndrome; Hereditary neoplastic syndrome; Neoplastic Syndromes, Hereditary; Tumor predisposition. Identifiers: Orphanet 140162, MedGen C0027672, MeSH D009386, MONDO:0015356.

Submission:

Ambry Genetics
Classification: Uncertain significance for Hereditary cancer-predisposing syndrome. Last evaluated: 2021-11-05. Review status: criteria provided, single submitter. Criteria: Ambry Variant Classification Scheme 2023. Collection method: clinical testing. Allele origin: germline.
Comment: The p.L1396W variant (also known as c.4187T>G), located in coding exon 21 of the BLM gene, results from a T to G substitution at nucleotide position 4187. The leucine at codon 1396 is replaced by tryptophan, an amino acid with similar properties. This amino acid position is conserved. In addition, this alteration is predicted to be tolerated by in silico analysis. Since supporting evidence is limited at this time, the clinical significance of this alteration remains unclear.